The following is an entry in ClinVar:

ClinVar aggregate classification (germline): Uncertain significance (1 of 4 stars; one submission).

Allele frequency attached by ClinVar (database versions not stated): gnomAD 0.00003.
gnomAD v4.1: 27 of 1,209,373 alleles (0.0022%); highest among the groups gnomAD compares: Non-Finnish European, 0.00022%; no homozygotes.

Submission:

Labcorp Genetics (formerly Invitae), Labcorp
Classification: Uncertain significance. Last evaluated: 2023-02-20. Review status: criteria provided, single submitter. Criteria: Invitae Variant Classification Sherloc (09022015). Collection method: clinical testing. Allele origin: germline.
Comment: In summary, the available evidence is currently insufficient to determine the role of this variant in disease. Therefore, it has been classified as a Variant of Uncertain Significance. Algorithms developed to predict the effect of missense changes on protein structure and function output the following: SIFT: "Not Available"; PolyPhen-2: "Benign"; Align-GVGD: "Not Available". The methionine amino acid residue is found in multiple mammalian species, which suggests that this missense change does not adversely affect protein function. ClinVar contains an entry for this variant (Variation ID: 1415130). This variant has not been reported in the literature in individuals affected with SH3KBP1-related conditions. This variant is present in population databases (rs767654497, gnomAD 0.08%), and has an allele count higher than expected for a pathogenic variant. This sequence change replaces leucine, which is neutral and non-polar, with methionine, which is neutral and non-polar, at codon 574 of the SH3KBP1 protein (p.Leu574Met).

NM_031892.3(SH3KBP1):c.1720C>A (p.Leu574Met)

Gene: SH3KBP1 (SH3 domain containing kinase binding protein 1; minus strand). Cytogenetic location: Xp22.12.
Variant type: single nucleotide variant.
Coding change: c.1720C>A on transcript NM_031892.3 (MANE Select); coding-DNA position 1720, C replaced by A.
Protein change: p.Leu574Met; replaces leucine 574 with methionine.
Molecular consequence: missense variant.
Genome position (GRCh38, 1-based): chrX:19,542,097, G>T on the plus strand (C>A on the coding strand, the complement: SH3KBP1 is on the minus strand). VCF-style: chrX-19542097-G-T. GRCh37 (hg19) VCF-style: chrX-19560215-G-T.
Other names: c.1609C>A, p.Leu537Met (NM_001024666.3); c.1006C>A, p.Leu336Met (NM_001184960.2); c.1591C>A, p.Leu531Met (NM_001353890.2); c.1795C>A, p.Leu599Met (NM_001353891.2); c.1666C>A, p.Leu556Met (NM_001353892.2); c.1618C>A, p.Leu540Met (NM_001353893.2); c.1489C>A, p.Leu497Met (NM_001353894.2); c.1546C>A, p.Leu516Met (NM_001353895.2); and 1 more; short protein forms L497M, L574M, L531M, L336M, L540M, L293M, L516M, L537M.
Identifiers: ClinVar variation 1415130 (VCV001415130.5), dbSNP rs767654497, ClinGen allele CA10364455.